The following is an entry in ClinVar:

NM_005633.4(SOS1):c.1798A>G (p.Ile600Val)

Gene: SOS1 (SOS Ras/Rac guanine nucleotide exchange factor 1; minus strand). Cytogenetic location: 2p22.1.
Variant type: single nucleotide variant.
Coding change: c.1798A>G on transcript NM_005633.4 (MANE Select); coding-DNA position 1798, A replaced by G.
Protein change: p.Ile600Val; replaces isoleucine 600 with valine.
Molecular consequence: missense variant.
Genome position (GRCh38, 1-based): chr2:39,022,630, T>C on the plus strand (A>G on the coding strand, the complement: SOS1 is on the minus strand). VCF-style: chr2-39022630-T-C. GRCh37 (hg19) VCF-style: chr2-39249771-T-C.
Other names: c.1777A>G, p.Ile593Val (NM_001382394.1); c.1798A>G, p.Ile600Val (NM_001382395.1); short protein forms I593V, I600V.
Identifiers: ClinVar variation 2199355 (VCV002199355.7), dbSNP rs373139450, ClinGen allele CA1624551.

ClinVar aggregate classification (germline): Conflicting classifications of pathogenicity. Review status: criteria provided, conflicting classifications (1 of 4 stars). 2 submissions from 2 submitters: Uncertain significance (1); Likely benign (1). Last evaluated 2025-12-31.

Conditions:
RASopathy. Also called: Noonan spectrum disorder; rasopathies. Identifiers: Orphanet 536391, MedGen C5555857, MONDO:0021060.
Cardiovascular phenotype. Identifiers: MedGen CN230736.

Allele frequency attached by ClinVar (database versions not stated): ExAC 0.00001; gnomAD 0.00001.
gnomAD v4.1: 3 of 1,613,340 alleles (0.00019%); highest among the groups gnomAD compares: African/African-American, 0.0027%; no homozygotes.

Submissions (2):

Labcorp Genetics (formerly Invitae), Labcorp
Classification: Likely benign for RASopathy. Last evaluated: 2025-12-31. Review status: criteria provided, single submitter. Criteria: Invitae Variant Classification Sherloc (09022015). Collection method: clinical testing. Allele origin: germline.

Ambry Genetics
Classification: Uncertain significance for Cardiovascular phenotype. Last evaluated: 2025-06-28. Review status: criteria provided, single submitter. Criteria: Ambry Variant Classification Scheme 2023. Collection method: clinical testing. Allele origin: germline.
Comment: The p.I600V variant (also known as c.1798A>G), located in coding exon 10 of the SOS1 gene, results from an A to G substitution at nucleotide position 1798. The isoleucine at codon 600 is replaced by valine, an amino acid with highly similar properties. This amino acid position is conserved. In addition, this alteration is predicted to be tolerated by in silico analysis. Since supporting evidence is limited at this time, the clinical significance of this alteration remains unclear.